The following is an entry in ClinVar:

NM_000760.4(CSF3R):c.689C>T (p.Pro230Leu)

Gene: CSF3R (colony stimulating factor 3 receptor; minus strand). Cytogenetic location: 1p34.3.
Variant type: single nucleotide variant.
Coding change: c.689C>T on transcript NM_000760.4 (MANE Select); coding-DNA position 689, C replaced by T.
Protein change: p.Pro230Leu; replaces proline 230 with leucine.
Molecular consequence: missense variant.
Genome position (GRCh38, 1-based): chr1:36,472,671, G>A on the plus strand (C>T on the coding strand, the complement: CSF3R is on the minus strand). VCF-style: chr1-36472671-G-A. GRCh37 (hg19) VCF-style: chr1-36938272-G-A.
Other names: c.689C>T, p.Pro230Leu (NM_156039.3, NM_172313.3); short protein forms P230L.
Identifiers: ClinVar variation 2177461 (VCV002177461.4), dbSNP rs1027440534, ClinGen allele CA20749219.

ClinVar aggregate classification (germline): Uncertain significance (1 of 4 stars; one submission).

Conditions:
Autosomal recessive severe congenital neutropenia due to CSF3R deficiency. Also called: Neutropenia, severe congenital, 7, autosomal recessive. Identifiers: Orphanet 420702, MedGen C4310764, MONDO:0014865, OMIM 617014.

Allele frequency attached by ClinVar (database versions not stated): gnomAD exomes below 0.00001; gnomAD 0.00001.
gnomAD v4.1: 3 of 1,600,450 alleles (0.00019%); highest among the groups gnomAD compares: African/African-American, 0.004%; no homozygotes.

Submission:

Labcorp Genetics (formerly Invitae), Labcorp
Classification: Uncertain significance for Autosomal recessive severe congenital neutropenia due to CSF3R deficiency. Last evaluated: 2022-05-21. Review status: criteria provided, single submitter. Criteria: Invitae Variant Classification Sherloc (09022015). Collection method: clinical testing. Allele origin: germline.
Comment: In summary, the available evidence is currently insufficient to determine the role of this variant in disease. Therefore, it has been classified as a Variant of Uncertain Significance. Algorithms developed to predict the effect of missense changes on protein structure and function (SIFT, PolyPhen-2, Align-GVGD) all suggest that this variant is likely to be disruptive. This variant has not been reported in the literature in individuals affected with CSF3R-related conditions. This variant is not present in population databases (gnomAD no frequency). This sequence change replaces proline, which is neutral and non-polar, with leucine, which is neutral and non-polar, at codon 230 of the CSF3R protein (p.Pro230Leu).